The following is an entry in ClinVar:

NM_016247.4(IMPG2):c.1404G>A (p.Ser468=)

Gene: IMPG2 (interphotoreceptor matrix proteoglycan 2; minus strand). Cytogenetic location: 3q12.3.
Variant type: single nucleotide variant.
Coding change: c.1404G>A on transcript NM_016247.4 (MANE Select); coding-DNA position 1404, G replaced by A.
Protein change: p.Ser468=; no amino-acid change (serine 468 retained).
Molecular consequence: synonymous variant.
Genome position (GRCh38, 1-based): chr3:101,245,941, C>T on the plus strand (G>A on the coding strand, the complement: IMPG2 is on the minus strand). VCF-style: chr3-101245941-C-T. GRCh37 (hg19) VCF-style: chr3-100964785-C-T.
Other names: c.1404G>A (NM_016247.3).
Identifiers: ClinVar variation 1082841 (VCV001082841.10), dbSNP rs760482754, ClinGen allele CA2519168.

ClinVar aggregate classification (germline): Likely benign. Review status: criteria provided, multiple submitters, no conflicts (2 of 4 stars). 2 submissions from 2 submitters: Likely benign (2). Last evaluated 2026-06-17.

Conditions:
IMPG2-related disorder. Also called: IMPG2-related condition.

Allele frequency attached by ClinVar (database versions not stated): gnomAD exomes 0.00002; TOPMed 0.00002; gnomAD 0.00001; ExAC 0.00002.
gnomAD v4.1: 39 of 1,613,976 alleles (0.0024%); highest among the groups gnomAD compares: African/African-American, 0.004%; no homozygotes.

Submissions (2):

PreventionGenetics, part of Exact Sciences
Classification: Likely benign for IMPG2-related condition. Last evaluated: 2026-06-17. Review status: criteria provided, single submitter. Criteria: ACMG Guidelines, 2015. Collection method: clinical testing. Allele origin: germline.
Comment: This variant is classified as likely benign based on ACMG/AMP sequence variant interpretation guidelines (Richards et al. 2015 PMID: 25741868, with internal and published modifications).

Labcorp Genetics (formerly Invitae), Labcorp
Classification: Likely benign. Last evaluated: 2022-02-24. Review status: criteria provided, single submitter. Criteria: Invitae Variant Classification Sherloc (09022015). Collection method: clinical testing. Allele origin: germline.